The following is an entry in ClinVar:

ClinVar aggregate classification (germline): Conflicting classifications of pathogenicity. Review status: criteria provided, conflicting classifications (1 of 4 stars). 3 submissions from 3 submitters: Uncertain significance (1); Likely benign (1). 1 of the submissions does not count toward it. Last evaluated 2023-05-17.

Conditions:
Cardiovascular phenotype. Identifiers: MedGen CN230736.
LAMA4-related disorder. Also called: LAMA4-related condition.
Dilated cardiomyopathy 1JJ (CMD1JJ). Identifiers: Orphanet 154, MedGen C3808935, MONDO:0014095, OMIM 615235.

Allele frequency attached by ClinVar (database versions not stated): gnomAD exomes 0.00001; TOPMed 0.00002; ESP Exome Variant Server 0.00008; 1000 Genomes Project 0.00020; 1000 Genomes Project 30x 0.00031.
gnomAD v4.1: 15 of 1,614,150 alleles (0.00093%); highest among the groups gnomAD compares: East Asian, 0.0045%; no homozygotes.

Submissions (3):

Labcorp Genetics (formerly Invitae), Labcorp
Classification: Uncertain significance for Dilated cardiomyopathy 1JJ. Last evaluated: 2023-05-17. Review status: criteria provided, single submitter. Criteria: Invitae Variant Classification Sherloc (09022015). Collection method: clinical testing. Allele origin: germline.
Comment: In summary, the available evidence is currently insufficient to determine the role of this variant in disease. Therefore, it has been classified as a Variant of Uncertain Significance. Algorithms developed to predict the effect of missense changes on protein structure and function output the following: SIFT: "Not Available"; PolyPhen-2: "Benign"; Align-GVGD: "Not Available". The serine amino acid residue is found in multiple mammalian species, which suggests that this missense change does not adversely affect protein function. ClinVar contains an entry for this variant (Variation ID: 239113). This variant is also known as chr6:112460438:C:T. This missense change has been observed in individual(s) with dilated cardiomyopathy (PMID: 31983221). This variant is present in population databases (rs145321940, gnomAD 0.01%). This sequence change replaces glycine, which is neutral and non-polar, with serine, which is neutral and polar, at codon 1049 of the LAMA4 protein (p.Gly1049Ser).

Ambry Genetics
Classification: Likely benign for Cardiovascular phenotype. Last evaluated: 2019-11-25. Review status: criteria provided, single submitter. Criteria: Ambry Variant Classification Scheme 2023. Collection method: clinical testing. Allele origin: germline.

PreventionGenetics, part of Exact Sciences
Classification: Uncertain significance for LAMA4-related condition. Last evaluated: 2024-02-09. Review status: no assertion criteria provided. Collection method: clinical testing. Allele origin: germline. Not counted in ClinVar's aggregate classification.
Comment: The LAMA4 c.3145G>A variant is predicted to result in the amino acid substitution p.Gly1049Ser. This variant was reported in an individual with dilated cardiomyopathy (Table S3, Mazzarotto et al. 2020. PubMed ID: 31983221). This variant is reported in 0.014% of alleles in individuals of European (Finnish) descent in gnomAD. At this time, the clinical significance of this variant is uncertain due to the absence of conclusive functional and genetic evidence.

Literature cited by the submitters: PubMed 31983221 (cited by Labcorp Genetics (formerly Invitae), Labcorp).

NM_001105206.3(LAMA4):c.3166G>A (p.Gly1056Ser)

Gene: LAMA4 (laminin subunit alpha 4; minus strand). Cytogenetic location: 6q21.
Variant type: single nucleotide variant.
Coding change: c.3166G>A on transcript NM_001105206.3 (MANE Select); coding-DNA position 3166, G replaced by A.
Protein change: p.Gly1056Ser; replaces glycine 1056 with serine.
Molecular consequence: missense variant.
Genome position (GRCh38, 1-based): chr6:112,139,236, C>T on the plus strand (G>A on the coding strand, the complement: LAMA4 is on the minus strand). VCF-style: chr6-112139236-C-T. GRCh37 (hg19) VCF-style: chr6-112460438-C-T.
Other names: c.3145G>A, p.Gly1049Ser (NM_001105207.3, NM_002290.5); short protein forms G1049S, G1056S.
Identifiers: ClinVar variation 239113 (VCV000239113.11), dbSNP rs145321940, ClinGen allele CA3965288.